The following is an entry in ClinVar:

ClinVar aggregate classification (germline): Pathogenic (1 of 4 stars; one submission).

Conditions:
Cohen syndrome (COH1). Also called: PEPPER SYNDROME; Cutis verticis gyrata, retinitis pigmentosa, and sensorineural deafness. Identifiers: Orphanet 193, MedGen C0265223, MONDO:0008999, OMIM 216550.

Submission:

Myriad Genetics, Inc.
Classification: Pathogenic for Cohen syndrome. Last evaluated: 2024-05-13. Review status: criteria provided, single submitter. Criteria: Myriad Autosomal Dominant, Autosomal Recessive and X-Linked Classification Criteria (2023). Collection method: clinical testing. Allele origin: unknown.
Comment: NM_017890.4(VPS13B):c.2624C>G(S875*) is expected to be pathogenic in the context of Cohen syndrome. This variant is predicted to lead to an abnormal or absent protein product due to the creation of a premature termination codon in VPS13B, a gene where loss-of-function variants are known to be pathogenic. Please note: this variant was assessed in the context of healthy population screening.

NM_152564.5(VPS13B):c.2624C>G (p.Ser875Ter)

Gene: VPS13B (vacuolar protein sorting 13 homolog B; plus strand). Cytogenetic location: 8q22.2.
Variant type: single nucleotide variant.
Coding change: c.2624C>G on transcript NM_152564.5 (MANE Select); coding-DNA position 2624, C replaced by G.
Protein change: p.Ser875Ter; replaces serine 875 with a stop codon.
Molecular consequence: nonsense.
Genome position (GRCh38, 1-based): chr8:99,274,306, C>G. VCF-style: chr8-99274306-C-G. GRCh37 (hg19) VCF-style: chr8-100286534-C-G.
Other names: c.2624C>G, p.Ser875Ter (NM_017890.5); short protein forms S875*.
Identifiers: ClinVar variation 5013047 (VCV005013047.1).
Genomic context (GRCh38, chr8:99,274,306, plus strand): 5'-ATGTTGAATTGAAGTACTGCAGCACATCATTGGTCAAATGTGCCTCTGGGACCATGGGAT[C>G]AATAAAAATTTGTGCCAAAGCCCCAGGTATGTGCAGCTGGACCGTGTAAAACTTTATTGC-3'